The following is an entry in ClinVar:

NM_000465.4(BARD1):c.1392A>G (p.Pro464=)

Gene: BARD1 (BRCA1 associated RING domain 1; minus strand). Cytogenetic location: 2q35.
Variant type: single nucleotide variant.
Coding change: c.1392A>G on transcript NM_000465.4 (MANE Select); coding-DNA position 1392, A replaced by G.
Protein change: p.Pro464=; no amino-acid change (proline 464 retained).
Molecular consequence: synonymous variant. On other transcripts: non-coding transcript variant (3), intron variant (3).
Genome position (GRCh38, 1-based): chr2:214,769,235, T>C on the plus strand (A>G on the coding strand, the complement: BARD1 is on the minus strand). VCF-style: chr2-214769235-T-C. GRCh37 (hg19) VCF-style: chr2-215633959-T-C.
Other names: c.1335A>G, p.Pro445= (NM_001282543.2); c.159-16680A>G (NM_001282548.2); c.216-16680A>G (NM_001282545.2); c.364+23062A>G (NM_001282549.2).
Identifiers: ClinVar variation 1081579 (VCV001081579.13), dbSNP rs2106081063, ClinGen allele CA431130322.

ClinVar aggregate classification (germline): Benign/Likely benign. Review status: criteria provided, multiple submitters, no conflicts (2 of 4 stars). 3 submissions from 3 submitters: Benign (1); Likely benign (2). Last evaluated 2024-07-25.

Conditions:
Hereditary cancer-predisposing syndrome. Also called: Hereditary Cancer Syndrome; Hereditary neoplastic syndrome; Tumor predisposition; Neoplastic Syndromes, Hereditary. Identifiers: Orphanet 140162, MedGen C0027672, MeSH D009386, MONDO:0015356.
Familial cancer of breast. Also called: hereditary breast carcinoma; BREAST CANCER, FAMILIAL; Hereditary breast cancer. Identifiers: Orphanet 227535, MedGen C0346153, MONDO:0016419, OMIM 114480. Disease mechanism: loss of function.

gnomAD v4.1: 1 of 1,610,140 alleles (0.000062%); no homozygotes.

Submissions (3):

Myriad Genetics, Inc.
Classification: Benign for Familial cancer of breast. Last evaluated: 2024-07-25. Review status: criteria provided, single submitter. Criteria: Myriad Autosomal Dominant, Autosomal Recessive and X-Linked Classification Criteria (2023). Collection method: clinical testing. Allele origin: unknown.
Comment: This variant is considered benign. This variant is a silent/synonymous amino acid change and it is not expected to impact splicing.

Ambry Genetics
Classification: Likely benign for Hereditary cancer-predisposing syndrome. Last evaluated: 2020-06-30. Review status: criteria provided, single submitter. Criteria: Ambry Variant Classification Scheme 2023. Collection method: clinical testing. Allele origin: germline.

Labcorp Genetics (formerly Invitae), Labcorp
Classification: Likely benign for Familial cancer of breast. Last evaluated: 2019-12-03. Review status: criteria provided, single submitter. Criteria: Invitae Variant Classification Sherloc (09022015). Collection method: clinical testing. Allele origin: germline.